The following is an entry in ClinVar:

NM_014491.4(FOXP2):c.549G>A (p.Gln183=)

Gene: FOXP2 (forkhead box P2; plus strand). Cytogenetic location: 7q31.1.
Variant type: single nucleotide variant.
Coding change: c.549G>A on transcript NM_014491.4 (MANE Select); coding-DNA position 549, G replaced by A.
Protein change: p.Gln183=; no amino-acid change (glutamine 183 retained).
Molecular consequence: synonymous variant. On other transcripts: non-coding transcript variant (2).
Genome position (GRCh38, 1-based): chr7:114,629,957, G>A. VCF-style: chr7-114629957-G-A. GRCh37 (hg19) VCF-style: chr7-114270012-G-A.
Other names: c.549G>A, p.Gln183= (NM_001172766.3, NM_148899.3); c.624G>A, p.Gln208= (NM_001172767.2, NM_148898.4); c.600G>A, p.Gln200= (NM_148900.4).
Identifiers: ClinVar variation 3904827 (VCV003904827.10).

ClinVar aggregate classification (germline): Likely benign (1 of 4 stars; one submission).

gnomAD v4.1: 2 of 1,605,430 alleles (0.00012%); highest among the groups gnomAD compares: Non-Finnish European, 0.00017%; no homozygotes.

Submission:

CeGaT Center for Human Genetics Tuebingen
Classification: Likely benign. Last evaluated: 2025-05-01. Review status: criteria provided, single submitter. Criteria: CeGaT Center For Human Genetics Tuebingen Variant Classification Criteria Version 2. Collection method: clinical testing. Allele origin: germline. Affected: yes. Observed: 1 variant allele.
Comment: FOXP2: BP4, BP7